The following is an entry in ClinVar:

ClinVar aggregate classification (germline): Conflicting classifications of pathogenicity. Review status: criteria provided, conflicting classifications (1 of 4 stars). 3 submissions from 3 submitters: Likely pathogenic (1); Uncertain significance (2). Last evaluated 2024-02-22.

Conditions:
Lethal multiple pterygium syndrome (LMPS). Identifiers: Orphanet 33108, MedGen C1854678, MONDO:0009668, OMIM 253290.
Myasthenic syndrome, congenital, 1A, slow-channel. Also called: CMS IIa; MYASTHENIC SYNDROME, CONGENITAL, TYPE IIa; Congenital myasthenic syndrome 1A. Identifiers: MedGen C2931107, MONDO:0011088, OMIM 601462.

Allele frequency attached by ClinVar (database versions not stated): gnomAD exomes below 0.00001 and 0.00001; TOPMed 0.00001.

Submissions (3):

Labcorp Genetics (formerly Invitae), Labcorp
Classification: Uncertain significance for Lethal multiple pterygium syndrome. Last evaluated: 2024-02-22. Review status: criteria provided, single submitter. Criteria: Invitae Variant Classification Sherloc (09022015). Collection method: clinical testing. Allele origin: germline.
Comment: This sequence change replaces glycine, which is neutral and non-polar, with tryptophan, which is neutral and slightly polar, at codon 260 of the CHRNA1 protein (p.Gly260Trp). This variant also falls at the last nucleotide of exon 6, which is part of the consensus splice site for this exon. This variant is present in population databases (no rsID available, gnomAD 0.0009%). This variant has not been reported in the literature in individuals affected with CHRNA1-related conditions. ClinVar contains an entry for this variant (Variation ID: 430309). An algorithm developed to predict the effect of missense changes on protein structure and function (PolyPhen-2) suggests that this variant is likely to be disruptive. Variants that disrupt the consensus splice site are a relatively common cause of aberrant splicing (PMID: 17576681, 9536098). Algorithms developed to predict the effect of sequence changes on RNA splicing suggest that this variant may disrupt the consensus splice site. In summary, the available evidence is currently insufficient to determine the role of this variant in disease. Therefore, it has been classified as a Variant of Uncertain Significance.

Department of Pathology and Laboratory Medicine, Sinai Health System
Classification: Uncertain significance for congenital myasthenic syndrome 1A. Last evaluated: 2021-07-30. Review status: criteria provided, single submitter. Criteria: ACMG Guidelines, 2015. Collection method: research. Allele origin: germline.

GeneDx
Classification: Likely pathogenic. Last evaluated: 2016-03-24. Review status: criteria provided, single submitter. Criteria: GeneDx Variant Classification (06012015). Collection method: clinical testing. Allele origin: germline. Affected: yes.
Comment: The c.778 G>T variant has not been published as a pathogenic variant, nor has it been reported as a benign variant to our knowledge. Multiple in silico prediction models predict c.778 G>T will damage or destroy the natural splice donor site in exon 6 and lead to abnormal splicing. However, in the absence of RNA/functional studies, the actual effect of this variant in this individual is unknown. If c.778 G>T does not alter splicing, it will result in the G260W missense change. The G260W variant was not observed in approximately 6,500 individuals of European and African American ancestry in the NHLBI Exome Sequencing Project, indicating it is not a common benign variant in these populations. G260W is a semi-conservative amino acid substitution, which may impact secondary protein structure as these residues differ in some properties. This substitution occurs at a position that is conserved across species, and in silico analysis predicts this variant is probably damaging to the protein structure/function.

Literature cited by the submitters: PubMed 17576681 (cited by Labcorp Genetics (formerly Invitae), Labcorp); PubMed 9536098 (cited by Labcorp Genetics (formerly Invitae), Labcorp).

NM_000079.4(CHRNA1):c.778G>T (p.Gly260Trp)

Gene: CHRNA1 (cholinergic receptor nicotinic alpha 1 subunit; minus strand). Cytogenetic location: 2q31.1.
Variant type: single nucleotide variant.
Coding change: c.778G>T on transcript NM_000079.4 (MANE Select); coding-DNA position 778, G replaced by T.
Protein change: p.Gly260Trp; replaces glycine 260 with tryptophan.
Molecular consequence: missense variant.
Genome position (GRCh38, 1-based): chr2:174,753,503, C>A on the plus strand (G>T on the coding strand, the complement: CHRNA1 is on the minus strand). VCF-style: chr2-174753503-C-A. GRCh37 (hg19) VCF-style: chr2-175618231-C-A.
Other names: c.853G>T, p.Gly285Trp (NM_001039523.3); short protein forms G260W, G285W.
Identifiers: ClinVar variation 430309 (VCV000430309.5), dbSNP rs1131691893, ClinGen allele CA349338630.
Genomic context (GRCh38, chr2:174,753,503, plus strand): 5'-CAAAATAGCAGCACGAGACCCATCAGCGTCAGCAGCAGCAGTCATGGCAACCACACCCAC[C>A]TGAGTCTGTGGGCAGGTAGAATACCAGGCCAGTTAAGAAGGAGAAGAGCAGGCAGGGGAT-3'
Protein context (NP_000070.1, residues 250-270): GLVFYLPTDS[Gly260Trp]EKMTLSISVL